The following is an entry in ClinVar:

ClinVar aggregate classification (germline): Benign/Likely benign. Review status: criteria provided, multiple submitters, no conflicts (2 of 4 stars). 4 submissions from 4 submitters: Benign (1); Likely benign (3). Last evaluated 2025-12-21.

Conditions:
Hereditary cancer-predisposing syndrome. Also called: Tumor predisposition; Neoplastic Syndromes, Hereditary; Hereditary neoplastic syndrome; Hereditary Cancer Syndrome. Identifiers: Orphanet 140162, MedGen C0027672, MeSH D009386, MONDO:0015356.
Oligodontia-cancer predisposition syndrome. Also called: TOOTH AGENESIS-COLORECTAL CANCER SYNDROME. Identifiers: Orphanet 300576, MedGen C1837750, MONDO:0012075, OMIM 608615. Disease mechanism: loss of function.

Allele frequency attached by ClinVar (database versions not stated): gnomAD 0.00001; ExAC 0.00002; gnomAD exomes 0.00002 and 0.00003; TOPMed 0.00002.
gnomAD v4.1: 22 of 1,612,850 alleles (0.0014%); highest among the groups gnomAD compares: Admixed American, 0.018%; no homozygotes.

Submissions (4):

Labcorp Genetics (formerly Invitae), Labcorp
Classification: Likely benign for Oligodontia-cancer predisposition syndrome. Last evaluated: 2025-12-21. Review status: criteria provided, single submitter. Criteria: Invitae Variant Classification Sherloc (09022015). Collection method: clinical testing. Allele origin: germline.

Myriad Genetics, Inc.
Classification: Benign for Oligodontia-cancer predisposition syndrome. Last evaluated: 2024-07-08. Review status: criteria provided, single submitter. Criteria: Myriad Autosomal Dominant, Autosomal Recessive and X-Linked Classification Criteria (2023). Collection method: clinical testing. Allele origin: unknown.
Comment: This variant is considered benign. This variant is a silent/synonymous amino acid change and it is not expected to impact splicing.

KCCC/NGS Laboratory, Kuwait Cancer Control Center
Classification: Likely benign for Oligodontia-cancer predisposition syndrome. Last evaluated: 2023-07-07. Review status: criteria provided, single submitter. Criteria: ACMG Guidelines, 2015. Collection method: clinical testing. Allele origin: germline. Affected: yes.

Ambry Genetics
Classification: Likely benign for Hereditary cancer-predisposing syndrome. Last evaluated: 2019-11-26. Review status: criteria provided, single submitter. Criteria: Ambry Variant Classification Scheme 2023. Collection method: clinical testing. Allele origin: germline.

NM_004655.4(AXIN2):c.1803C>T (p.Gly601=)

Gene: AXIN2 (axin 2; minus strand). Cytogenetic location: 17q24.1.
Variant type: single nucleotide variant.
Coding change: c.1803C>T on transcript NM_004655.4 (MANE Select); coding-DNA position 1803, C replaced by T.
Protein change: p.Gly601=; no amino-acid change (glycine 601 retained).
Molecular consequence: synonymous variant. On other transcripts: intron variant (1).
Genome position (GRCh38, 1-based): chr17:65,536,973, G>A on the plus strand (C>T on the coding strand, the complement: AXIN2 is on the minus strand). VCF-style: chr17-65536973-G-A. GRCh37 (hg19) VCF-style: chr17-63533091-G-A.
Other names: c.1803C>T (LRG_296t1); c.1712+351C>T (NM_001363813.1).
Identifiers: ClinVar variation 415223 (VCV000415223.15), dbSNP rs760735657, ClinGen allele CA8718526.